The following is an entry in ClinVar:

NM_018451.5(CPAP):c.1334G>A (p.Arg445Lys)

Gene: CPAP (centrosome assembly and centriole elongation protein; minus strand). Cytogenetic location: 13q12.13.
Variant type: single nucleotide variant.
Coding change: c.1334G>A on transcript NM_018451.5 (MANE Select); coding-DNA position 1334, G replaced by A.
Protein change: p.Arg445Lys; replaces arginine 445 with lysine.
Molecular consequence: missense variant. On other transcripts: non-coding transcript variant (2).
Genome position (GRCh38, 1-based): chr13:24,906,704, C>T on the plus strand (G>A on the coding strand, the complement: CPAP is on the minus strand). VCF-style: chr13-24906704-C-T. GRCh37 (hg19) VCF-style: chr13-25480842-C-T.
Other names: short protein forms R445K.
Identifiers: ClinVar variation 2049981 (VCV002049981.4), dbSNP rs774388300, ClinGen allele CA6919774.

ClinVar aggregate classification (germline): Uncertain significance (1 of 4 stars; one submission).

Allele frequency attached by ClinVar (database versions not stated): TOPMed below 0.00001; ExAC 0.00001; gnomAD exomes below 0.00001; gnomAD 0.00001.
gnomAD v4.1: 3 of 1,614,090 alleles (0.00019%); highest among the groups gnomAD compares: Non-Finnish European, 0.00025%; no homozygotes.

Submission:

Labcorp Genetics (formerly Invitae), Labcorp
Classification: Uncertain significance. Last evaluated: 2022-06-19. Review status: criteria provided, single submitter. Criteria: Invitae Variant Classification Sherloc (09022015). Collection method: clinical testing. Allele origin: germline.
Comment: In summary, the available evidence is currently insufficient to determine the role of this variant in disease. Therefore, it has been classified as a Variant of Uncertain Significance. Algorithms developed to predict the effect of missense changes on protein structure and function (SIFT, PolyPhen-2, Align-GVGD) all suggest that this variant is likely to be tolerated. This variant has not been reported in the literature in individuals affected with CENPJ-related conditions. This variant is present in population databases (rs774388300, gnomAD 0.0009%). This sequence change replaces arginine, which is basic and polar, with lysine, which is basic and polar, at codon 445 of the CENPJ protein (p.Arg445Lys).